The following is an entry in ClinVar:

ClinVar aggregate classification (germline): Benign/Likely benign. Review status: criteria provided, multiple submitters, no conflicts (2 of 4 stars). 26 submissions from 19 submitters: Benign (14); Likely benign (9). 3 of the submissions do not count toward it. Last evaluated 2026-02-04.

Conditions:
Dilated cardiomyopathy 1G (CMD1G). Identifiers: Orphanet 154, MedGen C1858763, MONDO:0011400, OMIM 604145.
Autosomal recessive limb-girdle muscular dystrophy type 2J (LGMDR10). Also called: MUSCULAR DYSTROPHY, LIMB-GIRDLE, AUTOSOMAL RECESSIVE 10; Limb-girdle muscular dystrophy, type 2J. Identifiers: Orphanet 140922, MedGen C1837342, MONDO:0012127, OMIM 608807.
Cardiovascular phenotype. Identifiers: MedGen CN230736.
Primary dilated cardiomyopathy (DCM). Also called: Dilated Cardiomyopathy. Identifiers: Orphanet 217604, MedGen C0007193, MeSH D002311, MONDO:0005021, HP:0001644. Inheritance: Various modes of inheritance.
Cardiomyopathy (CMYO). Also called: Cardiomyopathies. Identifiers: Orphanet 167848, MedGen C0878544, MONDO:0004994, HP:0001638. Inheritance: Various modes of inheritance.
Early-onset myopathy with fatal cardiomyopathy (CMYO5). Also called: CONGENITAL MYOPATHY 5 WITH CARDIOMYOPATHY; Salih Myopathy. Identifiers: Orphanet 289377, MedGen C2673677, MONDO:0012714, OMIM 611705. Disease mechanism: loss of function.
Hypertrophic cardiomyopathy 9. Also called: Familial hypertrophic cardiomyopathy 9. Identifiers: MedGen C1861065, MONDO:0013412, OMIM 613765.
Tibial muscular dystrophy (TMD). Also called: Udd Distal Myopathy – Tibial Muscular Dystrophy; Tibial muscular dystrophy, tardive; UDD MYOPATHY. Identifiers: Orphanet 609, MedGen C1838244, MONDO:0010870, OMIM 600334.
Myopathy, myofibrillar, 9, with early respiratory failure (MFM9). Also called: Myopathy, distal, with early respiratory failure, autosomal dominant; Hereditary myopathy with early respiratory failure; MYOPATHY, PROXIMAL, WITH EARLY RESPIRATORY MUSCLE INVOLVEMENT; EDSTROM MYOPATHY. Identifiers: Orphanet 178464, Orphanet 34521, MedGen C1863599, MONDO:0011362, OMIM 603689.

Allele frequency attached by ClinVar (database versions not stated): gnomAD 0.00835 and 0.00782; TOPMed 0.00886; gnomAD exomes 0.00077 and 0.00228; 1000 Genomes Project 0.00779; 1000 Genomes Project 30x 0.00906; ExAC 0.00251; ESP Exome Variant Server 0.00992.
gnomAD v4.1: 2,317 of 1,565,458 alleles (0.15%); highest among the groups gnomAD compares: African/African-American, 2.8%; 43 homozygotes.

Submissions (26):

Labcorp Genetics (formerly Invitae), Labcorp
Classification: Benign for Dilated cardiomyopathy 1G; Autosomal recessive limb-girdle muscular dystrophy type 2J. Last evaluated: 2026-02-04. Review status: criteria provided, single submitter. Criteria: Invitae Variant Classification Sherloc (09022015). Collection method: clinical testing. Allele origin: germline.

Molecular Diagnostic Laboratory for Inherited Cardiovascular Disease, Montreal Heart Institute
Classification: Benign. Last evaluated: 2025-04-09. Review status: criteria provided, single submitter. Criteria: ACMG Guidelines, 2015. Collection method: clinical testing. Allele origin: germline. Affected: no.

ARUP Laboratories, Molecular Genetics and Genomics, ARUP Laboratories
Classification: Benign. Last evaluated: 2025-04-08. Review status: criteria provided, single submitter. Criteria: ARUP Molecular Germline Variant Investigation Process 2024. Collection method: clinical testing. Allele origin: germline.

Blueprint Genetics
Classification: Likely benign. Last evaluated: 2024-11-25. Review status: criteria provided, single submitter. Criteria: ACMG Guidelines, 2015. Collection method: clinical testing. Allele origin: germline.

Fulgent Genetics
Classification: Likely benign for Tibial muscular dystrophy; Myopathy, myofibrillar, 9, with early respiratory failure; Dilated cardiomyopathy 1G; Autosomal recessive limb-girdle muscular dystrophy type 2J; Early-onset myopathy with fatal cardiomyopathy; Hypertrophic cardiomyopathy 9. Last evaluated: 2022-02-16. Review status: criteria provided, single submitter. Criteria: ACMG Guidelines, 2015. Collection method: clinical testing. Allele origin: unknown.

Genome-Nilou Lab
Classification: Benign for Autosomal recessive limb-girdle muscular dystrophy type 2J. Last evaluated: 2021-09-10. Review status: criteria provided, single submitter. Criteria: ACMG Guidelines, 2015. Collection method: clinical testing. Allele origin: germline. Affected: no.

Genome-Nilou Lab
Classification: Benign for Myopathy, myofibrillar, 9, with early respiratory failure. Last evaluated: 2021-09-10. Review status: criteria provided, single submitter. Criteria: ACMG Guidelines, 2015. Collection method: clinical testing. Allele origin: germline. Affected: no.

Genome-Nilou Lab
Classification: Benign for Early-onset myopathy with fatal cardiomyopathy. Last evaluated: 2021-09-10. Review status: criteria provided, single submitter. Criteria: ACMG Guidelines, 2015. Collection method: clinical testing. Allele origin: germline. Affected: no.

Genome-Nilou Lab
Classification: Benign for Tibial muscular dystrophy. Last evaluated: 2021-09-10. Review status: criteria provided, single submitter. Criteria: ACMG Guidelines, 2015. Collection method: clinical testing. Allele origin: germline. Affected: no.

Women's Health and Genetics/Laboratory Corporation of America, LabCorp
Classification: Likely benign. Last evaluated: 2020-04-12. Review status: criteria provided, single submitter. Criteria: LabCorp Variant Classification Summary - May 2015. Collection method: clinical testing. Allele origin: germline.

Athena Diagnostics
Classification: Benign. Last evaluated: 2019-11-07. Review status: criteria provided, single submitter. Criteria: Athena Diagnostics Criteria. Collection method: clinical testing. Allele origin: unknown.

Center for Advanced Laboratory Medicine, UC San Diego Health, University of California San Diego
Classification: Benign for Dilated cardiomyopathy; Cardiomyopathy. Last evaluated: 2019-06-11. Review status: criteria provided, single submitter. Criteria: ACMG Guidelines, 2015. Collection method: clinical testing. Allele origin: germline. Affected: yes. Observed: 3 variant alleles.

Mayo Clinic Laboratories, Mayo Clinic
Classification: Benign. Last evaluated: 2019-02-28. Review status: criteria provided, single submitter. Criteria: ACMG Guidelines, 2015. Collection method: clinical testing. Allele origin: germline. Observed: 15 variant alleles.

CHEO Genetics Diagnostic Laboratory, Children's Hospital of Eastern Ontario
Classification: Benign for Cardiomyopathy. Last evaluated: 2017-09-11. Review status: criteria provided, single submitter. Criteria: ACMG Guidelines, 2015. Collection method: clinical testing. Allele origin: germline. Study: Canadian Open Genetics Repository.

Illumina Laboratory Services, Illumina
Classification: Likely benign for Autosomal recessive limb-girdle muscular dystrophy type 2J. Last evaluated: 2017-04-27. Review status: criteria provided, single submitter. Criteria: ICSL Variant Classification Criteria 13 December 2019. Collection method: clinical testing. Allele origin: germline.
Comment: This variant was observed as part of a predisposition screen in an ostensibly healthy population. A literature search was performed for the gene, cDNA change, and amino acid change (where applicable). No publications were found based on this search. Allele frequency data from public databases allowed determination this variant is unlikely to cause disease. Therefore, this variant is classified as likely benign.

Illumina Laboratory Services, Illumina
Classification: Likely benign for Myopathy, myofibrillar, 9, with early respiratory failure. Last evaluated: 2017-04-27. Review status: criteria provided, single submitter. Criteria: ICSL Variant Classification Criteria 13 December 2019. Collection method: clinical testing. Allele origin: germline.
Comment: the same text as in the submission from Illumina Laboratory Services, Illumina above.

Illumina Laboratory Services, Illumina
Classification: Likely benign for Early-onset myopathy with fatal cardiomyopathy. Last evaluated: 2017-04-27. Review status: criteria provided, single submitter. Criteria: ICSL Variant Classification Criteria 13 December 2019. Collection method: clinical testing. Allele origin: germline.
Comment: the same text as in the submission from Illumina Laboratory Services, Illumina above.

Illumina Laboratory Services, Illumina
Classification: Likely benign for Tibial muscular dystrophy. Last evaluated: 2017-04-27. Review status: criteria provided, single submitter. Criteria: ICSL Variant Classification Criteria 13 December 2019. Collection method: clinical testing. Allele origin: germline.
Comment: the same text as in the submission from Illumina Laboratory Services, Illumina above.

Illumina Laboratory Services, Illumina
Classification: Likely benign for Dilated cardiomyopathy 1G. Last evaluated: 2017-04-27. Review status: criteria provided, single submitter. Criteria: ICSL Variant Classification Criteria 13 December 2019. Collection method: clinical testing. Allele origin: germline.
Comment: This variant was observed as part of a predisposition screen in an ostensibly healthy population. A literature search was performed for the gene, cDNA change, and amino acid change (where applicable). Publications were found based on this search. The evidence from the literature, in combination with allele frequency data from public databases where available, was sufficient to determine this variant is unlikely to cause disease. Therefore, this variant is classified as likely benign.

GeneDx
Classification: Benign. Last evaluated: 2014-03-14. Review status: criteria provided, single submitter. Criteria: GeneDx Variant Classification (06012015). Collection method: clinical testing. Allele origin: germline. Affected: yes.
Comment: This variant is considered likely benign or benign based on one or more of the following criteria: it is a conservative change, it occurs at a poorly conserved position in the protein, it is predicted to be benign by multiple in silico algorithms, and/or has population frequency not consistent with disease.

Ambry Genetics
Classification: Benign for Cardiovascular phenotype. Last evaluated: 2013-09-13. Review status: criteria provided, single submitter. Criteria: Ambry Autosomal Dominant and X-Linked criteria (10/2015). Collection method: clinical testing. Allele origin: germline. Observed: 1 variant allele.

Laboratory for Molecular Medicine, Mass General Brigham Personalized Medicine
Classification: Benign. Last evaluated: 2012-03-06. Review status: criteria provided, single submitter. Criteria: LMM Criteria. Collection method: clinical testing. Allele origin: germline. Observed: 13 variant alleles.
Comment: Pro20679Leu in exon 275 of TTN: This variant is not expected to have clinical si gnificance because it has been identified in 3.1% (96/3074) of African American chromosomes from a broad population by the NHLBI Exome Sequencing Project (dbSNP rs115658240).

Breakthrough Genomics
Classification: Likely benign. Review status: criteria provided, single submitter. Criteria: ACMG Guidelines, 2015. Collection method: not provided. Allele origin: germline. Inheritance: Autosomal recessive inheritance. Affected: yes.

Clinical Genetics DNA and cytogenetics Diagnostics Lab, Erasmus MC, Erasmus Medical Center
Classification: Benign. Review status: no assertion criteria provided. Collection method: clinical testing. Allele origin: germline. Affected: yes. Study: VKGL Data-share Consensus. Not counted in ClinVar's aggregate classification.

Clinical Genetics, Academic Medical Center
Classification: Benign. Review status: no assertion criteria provided. Collection method: clinical testing. Allele origin: germline. Affected: yes. Study: VKGL Data-share Consensus. Not counted in ClinVar's aggregate classification.

Diagnostic Laboratory, Department of Genetics, University Medical Center Groningen
Classification: Likely benign. Review status: no assertion criteria provided. Collection method: clinical testing. Allele origin: germline. Affected: yes. Study: VKGL Data-share Consensus. Not counted in ClinVar's aggregate classification.

Literature cited by the submitters: PubMed 23861362 (cited by Illumina Laboratory Services, Illumina).

NM_001267550.2(TTN):c.69740C>T (p.Pro23247Leu)

Genes: TTN (titin; minus strand), TTN-AS1 (TTN antisense RNA 1; plus strand), LOC126806422 (BRD4-independent group 4 enhancer GRCh37_chr2:179440205-179441404; plus strand). Cytogenetic location: 2q31.2.
Variant type: single nucleotide variant.
Coding change: c.69740C>T on transcript NM_001267550.2 (MANE Select); coding-DNA position 69740, C replaced by T.
Protein change: p.Pro23247Leu; replaces proline 23247 with leucine.
Molecular consequence: missense variant.
Genome position (GRCh38, 1-based): chr2:178,576,392, G>A on the plus strand (C>T on the coding strand, the complement: TTN is on the minus strand). VCF-style: chr2-178576392-G-A. GRCh37 (hg19) VCF-style: chr2-179441119-G-A.
Other names: p.P20679L:CCG>CTG; c.42545C>T, p.Pro14182Leu (NM_003319.4); c.62036C>T, p.Pro20679Leu (NM_133378.4); c.42920C>T, p.Pro14307Leu (NM_133432.3); c.43121C>T, p.Pro14374Leu (NM_133437.4); c.64817C>T, p.Pro21606Leu (NM_001256850.1); short protein forms P23247L, P20679L, P21606L, P14374L, P14307L, P14182L.
Identifiers: ClinVar variation 47276 (VCV000047276.41), dbSNP rs115658240, ClinGen allele CA283677.